The following is an entry in ClinVar:

NM_030912.3(TRIM8):c.312G>T (p.Gln104His)

Gene: TRIM8 (tripartite motif containing 8; plus strand). Cytogenetic location: 10q24.32.
Variant type: single nucleotide variant.
Coding change: c.312G>T on transcript NM_030912.3 (MANE Select); coding-DNA position 312, G replaced by T.
Protein change: p.Gln104His; replaces glutamine 104 with histidine.
Molecular consequence: missense variant. On other transcripts: non-coding transcript variant (1).
Genome position (GRCh38, 1-based): chr10:102,644,929, G>T. VCF-style: chr10-102644929-G-T. GRCh37 (hg19) VCF-style: chr10-104404686-G-T.
Other names: c.312G>T, p.Gln104His (NM_001345950.1); short protein forms Q104H.
Identifiers: ClinVar variation 2702478 (VCV002702478.3), dbSNP rs2492887928, ClinGen allele CA377924911.

ClinVar aggregate classification (germline): Uncertain significance (1 of 4 stars; one submission).

Submission:

Labcorp Genetics (formerly Invitae), Labcorp
Classification: Uncertain significance. Last evaluated: 2025-06-23. Review status: criteria provided, single submitter. Criteria: Invitae Variant Classification Sherloc (09022015). Collection method: clinical testing. Allele origin: germline.
Comment: This sequence change replaces glutamine, which is neutral and polar, with histidine, which is basic and polar, at codon 104 of the TRIM8 protein (p.Gln104His). This variant is not present in population databases (gnomAD no frequency). This variant has not been reported in the literature in individuals affected with TRIM8-related conditions. ClinVar contains an entry for this variant (Variation ID: 2702478). An algorithm developed to predict the effect of missense changes on protein structure and function (PolyPhen-2) suggests that this variant is likely to be tolerated. In summary, the available evidence is currently insufficient to determine the role of this variant in disease. Therefore, it has been classified as a Variant of Uncertain Significance.